The following is an entry in ClinVar:

NM_152383.5(DIS3L2):c.2588A>T (p.Gln863Leu)

Gene: DIS3L2 (DIS3 like 3'-5' exoribonuclease 2; plus strand). Cytogenetic location: 2q37.1.
Variant type: single nucleotide variant.
Coding change: c.2588A>T on transcript NM_152383.5 (MANE Select); coding-DNA position 2588, A replaced by T.
Protein change: p.Gln863Leu; replaces glutamine 863 with leucine.
Molecular consequence: missense variant. On other transcripts: non-coding transcript variant (2), intron variant (1).
Genome position (GRCh38, 1-based): chr2:232,336,560, A>T. VCF-style: chr2-232336560-A-T. GRCh37 (hg19) VCF-style: chr2-233201270-A-T.
Other names: c.1582-6785A>T (NM_001257281.2); short protein forms Q863L.
Identifiers: ClinVar variation 1367542 (VCV001367542.8), dbSNP rs777191235, ClinGen allele CA350979019.

ClinVar aggregate classification (germline): Uncertain significance (1 of 4 stars; one submission).

Conditions:
Perlman syndrome (PRLMNS). Identifiers: Orphanet 2849, MedGen C0796113, MONDO:0009965, OMIM 267000.

gnomAD v4.1: 4 of 1,609,702 alleles (0.00025%); highest among the groups gnomAD compares: South Asian, 0.0044%; no homozygotes.

Submission:

Labcorp Genetics (formerly Invitae), Labcorp
Classification: Uncertain significance for Perlman syndrome. Last evaluated: 2021-02-02. Review status: criteria provided, single submitter. Criteria: Invitae Variant Classification Sherloc (09022015). Collection method: clinical testing. Allele origin: germline.
Comment: In summary, the available evidence is currently insufficient to determine the role of this variant in disease. Therefore, it has been classified as a Variant of Uncertain Significance. This sequence change replaces glutamine with leucine at codon 863 of the DIS3L2 protein (p.Gln863Leu). The glutamine residue is weakly conserved and there is a moderate physicochemical difference between glutamine and leucine. Algorithms developed to predict the effect of missense changes on protein structure and function output the following: SIFT: "Tolerated"; PolyPhen-2: "Benign"; Align-GVGD: "Class C0". The leucine amino acid residue is found in multiple mammalian species, suggesting that this missense change does not adversely affect protein function. These predictions have not been confirmed by published functional studies and their clinical significance is uncertain. This variant has not been reported in the literature in individuals with DIS3L2-related conditions. This variant is not present in population databases (ExAC no frequency).